The following is an entry in ClinVar:

NM_174878.3(CLRN1):c.254-2054G>C

Gene: CLRN1 (clarin 1; minus strand). Cytogenetic location: 3q25.1.
Variant type: single nucleotide variant.
Coding change: c.254-2054G>C on transcript NM_174878.3 (MANE Select); 2054 bases into the intron before coding-DNA position 254, G replaced by C.
Molecular consequence: intron variant.
Genome position (GRCh38, 1-based): chr3:150,943,815, C>G on the plus strand (G>C on the coding strand, the complement: CLRN1 is on the minus strand). VCF-style: chr3-150943815-C-G. GRCh37 (hg19) VCF-style: chr3-150661602-C-G.
Other names: c.25+5G>C (NM_052995.2); c.254-2054G>C (NM_001195794.1); c.425+5G>C (NM_001256819.2).
Identifiers: ClinVar variation 505604 (VCV000505604.7), dbSNP rs185457278, ClinGen allele CA2666127.

ClinVar aggregate classification (germline): Conflicting classifications of pathogenicity. Review status: criteria provided, conflicting classifications (1 of 4 stars). 3 submissions from 3 submitters: Uncertain significance (1); Likely benign (1). 1 of the submissions does not count toward it. Last evaluated 2019-05-29.

Conditions:
CLRN1-related disorder. Also called: CLRN1-related condition.

Allele frequency attached by ClinVar (database versions not stated): ExAC 0.00002; gnomAD 0.00004 and 0.00005; TOPMed 0.00007; 1000 Genomes Project 30x 0.00016; 1000 Genomes Project 0.00020.
gnomAD v4.1: 13 of 1,614,140 alleles (0.00081%); highest among the groups gnomAD compares: African/African-American, 0.017%; no homozygotes.

Submissions (3):

Blueprint Genetics
Classification: Likely benign. Last evaluated: 2019-05-29. Review status: criteria provided, single submitter. Criteria: ACMG Guidelines, 2015. Collection method: clinical testing. Allele origin: germline.

Laboratory for Molecular Medicine, Mass General Brigham Personalized Medicine
Classification: Uncertain significance. Last evaluated: 2017-02-02. Review status: criteria provided, single submitter. Criteria: LMM Criteria. Collection method: clinical testing. Allele origin: germline. Observed: 1 variant allele.
Comment: c.25+5G>C (CLRN1; NM_052995.2; Chr3g.150661602C>G; GRCh37): The c.25+5G>C varian t in CLRN1 has not been previously reported in individuals with hearing loss or Usher syndrome, but has been identified in 2/10280 African chromosomes by the Ex ome Aggregation Consortium (ExAC; dbSNP rs185457 278). Although this variant has been seen in the general population, its frequen cy is not high enough to rule out a pathogenic role. This variant is located in the 3' splice region. Computational tools do not suggest an impact to splicing. However, this information is not predictive enough to rule out pathogenicity. In summary, the clinical significance of the c.25+5G>C variant is uncertain.

PreventionGenetics, part of Exact Sciences
Classification: Likely benign for CLRN1-related condition. Last evaluated: 2019-09-19. Review status: no assertion criteria provided. Collection method: clinical testing. Allele origin: germline. Not counted in ClinVar's aggregate classification.
Comment: This variant is classified as likely benign based on ACMG/AMP sequence variant interpretation guidelines (Richards et al. 2015 PMID: 25741868, with internal and published modifications).